The following is an entry in ClinVar:

NM_000135.4(FANCA):c.24_25delinsGG (p.Asn8_Ser9delinsLysAla)

Genes: FANCA (FA complementation group A; minus strand), LOC112486223 (Sharpr-MPRA regulatory region 3988; plus strand). Cytogenetic location: 16q24.3.
Variant type: Indel.
Coding change: c.24_25delinsGG on transcript NM_000135.4 (MANE Select); coding-DNA positions 24 to 25, CT replaced by GG.
Protein change: p.Asn8_Ser9delinsLysAla.
Molecular consequence: missense variant.
Genome position (GRCh38, 1-based): chr16:89,816,591-89,816,592, AG replaced by CC on the plus strand (CT replaced by GG on the coding strand, the reverse complement: FANCA is on the minus strand). VCF-style: chr16-89816591-AG-CC. GRCh37 (hg19) VCF-style: chr16-89882999-AG-CC.
Other names: c.24_25delinsGG, p.Asn8_Ser9delinsLysAla (NM_001018112.3, NM_001286167.3, NM_001351830.2).
Identifiers: ClinVar variation 2163848 (VCV002163848.4), dbSNP rs2544395171, ClinGen allele CA2580092351.

ClinVar aggregate classification (germline): Uncertain significance (1 of 4 stars; one submission).

Conditions:
Fanconi anemia (FA). Also called: Fanconi's anemia. Identifiers: Orphanet 84, MedGen C0015625, MeSH D005199, MONDO:0019391.

Submission:

Labcorp Genetics (formerly Invitae), Labcorp
Classification: Uncertain significance for Fanconi anemia. Last evaluated: 2022-05-04. Review status: criteria provided, single submitter. Criteria: Invitae Variant Classification Sherloc (09022015). Collection method: clinical testing. Allele origin: germline.
Comment: In summary, the available evidence is currently insufficient to determine the role of this variant in disease. Therefore, it has been classified as a Variant of Uncertain Significance. Algorithms developed to predict the effect of sequence changes on RNA splicing suggest that this variant may create or strengthen a splice site. Experimental studies and prediction algorithms are not available or were not evaluated, and the functional significance of this variant is currently unknown. This variant has not been reported in the literature in individuals affected with FANCA-related conditions. Information on the frequency of this variant in the gnomAD database is not available, as this variant may be reported differently in the database. This variant, c.24_25delinsGG, is a complex sequence change that results in the deletion of 2 and insertion of 2 amino acid(s) in the FANCA protein (p.Asn8_Ser9delinsLysAla).